The following is an entry in ClinVar:

ClinVar aggregate classification (germline): Likely pathogenic. Review status: criteria provided, multiple submitters, no conflicts (2 of 4 stars). 3 submissions from 3 submitters: Likely pathogenic (3). Last evaluated 2025-02-27.

Conditions:
SHH-related disorder. Also called: SHH-related condition; SHH-related disorders.
Solitary median maxillary central incisor syndrome. Also called: FUSED INCISORS; SINGLE CENTRAL MAXILLARY INCISOR; Single Central Incisor Syndrome; Solitary median maxillary central incisor; SMMCI SYNDROME. Identifiers: MedGen C1840235, MONDO:0007819, OMIM 147250, HP:0006315.

Submissions (3):

Laboratory of Molecular Genetics, CHU Rennes
Classification: Likely pathogenic for Solitary median maxillary central incisor syndrome. Last evaluated: 2025-02-27. Review status: criteria provided, single submitter. Criteria: ACMG Guidelines, 2015. Collection method: clinical testing. Allele origin: unknown. Inheritance: Autosomal dominant inheritance. Affected: yes.
Comment: This variant has already been reported in probands with holoprosencephaly. In summary, this variant meets criteria to be classified as likely pathogenic for holoprosencephaly based on the ACMG criteria applied (PM1, PM2, PP3, PP4, PP5).

GeneDx
Classification: Likely pathogenic. Last evaluated: 2023-05-30. Review status: criteria provided, single submitter. Criteria: GeneDx Variant Classification Process June 2021. Collection method: clinical testing. Allele origin: germline. Affected: yes.
Comment: Identified in a patient with holoprosencephaly in published literature (Roessler et al., 2009) but the phenotype of the patient is not available; Not observed at significant frequency in large population cohorts (gnomAD); In silico analysis supports that this missense variant has a deleterious effect on protein structure/function; This variant is associated with the following publications: (PMID: 32939873, 19603532)

PreventionGenetics, part of Exact Sciences
Classification: Likely pathogenic for SHH-related condition. Last evaluated: 2022-09-15. Review status: criteria provided, single submitter. Criteria: ACMG Guidelines, 2015. Collection method: clinical testing. Allele origin: germline.
Comment: The SHH c.592T>A variant is predicted to result in the amino acid substitution p.Cys198Ser. A different substitution affecting the same amino acid (Tyr) has been reported in a patient with holoprosencephaly (Bertolacini et al. 2010. PubMed ID: 19398181). Functional studies using a zebrafish mutant rescue assay found the p.Cys198Ser variant demonstrated similar activity as wildtype, with functional experiments overall summarized as conflicting (Hong et al. 2020. PubMed ID: 32939873, Tables S1 and S3). This variant has not been reported in a large population database, indicating this variant is rare. This variant is interpreted as likely pathogenic.

NM_000193.4(SHH):c.592T>A (p.Cys198Ser)

Gene: SHH (sonic hedgehog signaling molecule; minus strand). Cytogenetic location: 7q36.3.
Variant type: single nucleotide variant.
Coding change: c.592T>A on transcript NM_000193.4 (MANE Select); coding-DNA position 592, T replaced by A.
Protein change: p.Cys198Ser; replaces cysteine 198 with serine.
Molecular consequence: missense variant. On other transcripts: intron variant (1).
Genome position (GRCh38, 1-based): chr7:155,803,697, A>T on the plus strand (T>A on the coding strand, the complement: SHH is on the minus strand). VCF-style: chr7-155803697-A-T. GRCh37 (hg19) VCF-style: chr7-155596391-A-T.
Other names: c.592T>A (NM_000193.2); c.301+2599T>A (NM_001310462.2); short protein forms C198S.
Identifiers: ClinVar variation 2636187 (VCV002636187.3), dbSNP rs1131691989, ClinGen allele CA370146730.